The following is an entry in ClinVar:

NM_138713.4(NFAT5):c.3104A>G (p.Asn1035Ser)

Gene: NFAT5 (nuclear factor of activated T cells 5; plus strand). Cytogenetic location: 16q22.1.
Variant type: single nucleotide variant.
Coding change: c.3104A>G on transcript NM_138713.4 (MANE Select); coding-DNA position 3104, A replaced by G.
Protein change: p.Asn1035Ser; replaces asparagine 1035 with serine.
Molecular consequence: missense variant.
Genome position (GRCh38, 1-based): chr16:69,692,929, A>G. VCF-style: chr16-69692929-A-G. GRCh37 (hg19) VCF-style: chr16-69726832-A-G.
Other names: c.3101A>G, p.Asn1034Ser (NM_001113178.3); c.2429A>G, p.Asn810Ser (NM_001367709.1); c.3050A>G, p.Asn1017Ser (NM_006599.4); c.2822A>G, p.Asn941Ser (NM_138714.4, NM_173214.3, NM_173215.3); c.3104A>G (NM_138713.3); short protein forms N1017S, N1034S, N1035S, N810S, N941S.
Identifiers: ClinVar variation 1018560 (VCV001018560.9), dbSNP rs779806445, ClinGen allele CA8135847.

ClinVar aggregate classification (germline): Conflicting classifications of pathogenicity. Review status: criteria provided, conflicting classifications (1 of 4 stars). 2 submissions from 2 submitters: Uncertain significance (1); Likely benign (1). Last evaluated 2025-11-05.

Conditions:
Immunodeficiency. Identifiers: MedGen C0021051, MONDO:0021094, HP:0002721.

Allele frequency attached by ClinVar (database versions not stated): ExAC 0.00001; gnomAD exomes 0.00001; TOPMed 0.00005; gnomAD 0.00006.
gnomAD v4.1: 17 of 1,614,098 alleles (0.0011%); highest among the groups gnomAD compares: African/African-American, 0.013%; no homozygotes.

Submissions (2):

Ambry Genetics
Classification: Likely benign. Last evaluated: 2025-11-05. Review status: criteria provided, single submitter. Criteria: Ambry Variant Classification Scheme 2023. Collection method: clinical testing. Allele origin: germline.

Labcorp Genetics (formerly Invitae), Labcorp
Classification: Uncertain significance for Immunodeficiency. Last evaluated: 2024-11-04. Review status: criteria provided, single submitter. Criteria: Invitae Variant Classification Sherloc (09022015). Collection method: clinical testing. Allele origin: germline.
Comment: This sequence change replaces asparagine, which is neutral and polar, with serine, which is neutral and polar, at codon 941 of the NFAT5 protein (p.Asn941Ser). This variant is present in population databases (rs779806445, gnomAD 0.008%). This variant has not been reported in the literature in individuals affected with NFAT5-related conditions. ClinVar contains an entry for this variant (Variation ID: 1018560). An algorithm developed to predict the effect of missense changes on protein structure and function outputs the following: PolyPhen-2: "Benign". The serine amino acid residue is found in multiple mammalian species, which suggests that this missense change does not adversely affect protein function. In summary, the available evidence is currently insufficient to determine the role of this variant in disease. Therefore, it has been classified as a Variant of Uncertain Significance.